The following is an entry in ClinVar:

ClinVar aggregate classification (germline): Likely benign (1 of 4 stars; one submission).

Conditions:
EPPK1-related disorder. Also called: EPPK1-related condition.

Allele frequency attached by ClinVar (database versions not stated): gnomAD 0.00003; gnomAD exomes 0.00003; TOPMed 0.00005.

Submission:

PreventionGenetics, part of Exact Sciences
Classification: Likely benign for EPPK1-related condition. Last evaluated: 2021-04-14. Review status: criteria provided, single submitter. Criteria: ACMG Guidelines, 2015. Collection method: clinical testing. Allele origin: germline.
Comment: This variant is classified as likely benign based on ACMG/AMP sequence variant interpretation guidelines (Richards et al. 2015 PMID: 25741868, with internal and published modifications).

NM_031308.4(EPPK1):c.6756C>T (p.Gly2252=)

Gene: EPPK1 (epiplakin 1; minus strand). Cytogenetic location: 8q24.3.
Variant type: single nucleotide variant.
Coding change: c.6756C>T on transcript NM_031308.4 (MANE Select); coding-DNA position 6756, C replaced by T.
Protein change: p.Gly2252=; no amino-acid change (glycine 2252 retained).
Molecular consequence: synonymous variant.
Genome position (GRCh38, 1-based): chr8:143,866,498, G>A on the plus strand (C>T on the coding strand, the complement: EPPK1 is on the minus strand). VCF-style: chr8-143866498-G-A.
Identifiers: ClinVar variation 3035127 (VCV003035127.1), dbSNP rs1184324579, ClinGen allele CA372482796.
Genomic context (GRCh38, chr8:143,866,498, plus strand): 5'-GACGAAGCCGGTGGCCGCCTGCGCCTCCAGCAGCACCAGGGCCGTGCCGGGCCGCAGCAC[G>A]CCCTTCCACATGGCCTGGTAGATGCTCATCTTCTCCTGGCGGCCGGGCTGGTCCTTGGCG-3'
Protein context (NP_112598.3, residues 2242-2262): KMSIYQAMWK[Gly2252=]VLRPGTALVL